The following is an entry in ClinVar:

NM_004523.4(KIF11):c.1066G>C (p.Ala356Pro)

Gene: KIF11 (kinesin family member 11; plus strand). Cytogenetic location: 10q23.33.
Variant type: single nucleotide variant.
Coding change: c.1066G>C on transcript NM_004523.4 (MANE Select); coding-DNA position 1066, G replaced by C.
Protein change: p.Ala356Pro; replaces alanine 356 with proline.
Molecular consequence: missense variant.
Genome position (GRCh38, 1-based): chr10:92,616,770, G>C. VCF-style: chr10-92616770-G-C. GRCh37 (hg19) VCF-style: chr10-94376527-G-C.
Other names: short protein forms A356P.
Identifiers: ClinVar variation 1723572 (VCV001723572.3), dbSNP rs1844561818, ClinGen allele CA377590787.

ClinVar aggregate classification (germline): Uncertain significance (1 of 4 stars; one submission).

Submission:

GeneDx
Classification: Uncertain significance. Last evaluated: 2026-07-31. Review status: criteria provided, single submitter. Criteria: GeneDx Variant Classification Process June 2021. Collection method: clinical testing. Allele origin: germline.
Comment: Not observed at significant frequency in large population cohorts (gnomAD); In silico analysis supports that this missense variant has a deleterious effect on protein structure/function; Has not been previously published as pathogenic or benign to our knowledge